The following is an entry in ClinVar:

ClinVar aggregate classification (germline): Uncertain significance (1 of 4 stars; one submission).

Conditions:
Brugada syndrome 4 (BRGDA4). Identifiers: Orphanet 130, MedGen C2678477, MONDO:0012743, OMIM 611876.

Allele frequency attached by ClinVar (database versions not stated): TOPMed below 0.00001.
gnomAD v4.1: 1 of 1,614,050 alleles (0.000062%); highest among the groups gnomAD compares: African/African-American, 0.0013%; no homozygotes.

Submission:

Labcorp Genetics (formerly Invitae), Labcorp
Classification: Uncertain significance for Brugada syndrome 4. Last evaluated: 2023-10-13. Review status: criteria provided, single submitter. Criteria: Invitae Variant Classification Sherloc (09022015). Collection method: clinical testing. Allele origin: germline.
Comment: This sequence change replaces arginine, which is basic and polar, with serine, which is neutral and polar, at codon 493 of the CACNB2 protein (p.Arg493Ser). This variant is present in population databases (no rsID available, gnomAD 0.007%). This variant has not been reported in the literature in individuals affected with CACNB2-related conditions. ClinVar contains an entry for this variant (Variation ID: 856940). Advanced modeling of protein sequence and biophysical properties (such as structural, functional, and spatial information, amino acid conservation, physicochemical variation, residue mobility, and thermodynamic stability) performed at Invitae indicates that this missense variant is not expected to disrupt CACNB2 protein function. In summary, the available evidence is currently insufficient to determine the role of this variant in disease. Therefore, it has been classified as a Variant of Uncertain Significance.

NM_201596.3(CACNB2):c.1639C>A (p.Arg547Ser)

Gene: CACNB2 (calcium voltage-gated channel auxiliary subunit beta 2; plus strand). Cytogenetic location: 10p12.31.
Variant type: single nucleotide variant.
Coding change: c.1639C>A on transcript NM_201596.3 (MANE Select); coding-DNA position 1639, C replaced by A.
Protein change: p.Arg547Ser; replaces arginine 547 with serine.
Molecular consequence: missense variant.
Genome position (GRCh38, 1-based): chr10:18,539,380, C>A. VCF-style: chr10-18539380-C-A. GRCh37 (hg19) VCF-style: chr10-18828309-C-A.
Other names: c.1474C>A, p.Arg492Ser (NM_000724.4); c.1441C>A, p.Arg481Ser (NM_001167945.2); c.1360C>A, p.Arg454Ser (NM_001330060.2); c.1495C>A, p.Arg499Ser (NM_201570.3); c.1555C>A, p.Arg519Ser (NM_201571.4); c.1483C>A, p.Arg495Ser (NM_201572.4); c.1477C>A, p.Arg493Ser (NM_201590.3); c.1525C>A, p.Arg509Ser (NM_201593.3); and 1 more; short protein forms R509S, R523S, R454S, R481S, R492S, R493S, R499S, R519S.
Identifiers: ClinVar variation 856940 (VCV000856940.9), dbSNP rs774654438, ClinGen allele CA376071584.